The following is an entry in ClinVar:

NM_001111.5(ADAR):c.2360C>T (p.Ala787Val)

Gene: ADAR (adenosine deaminase RNA specific; minus strand). Cytogenetic location: 1q21.3.
Variant type: single nucleotide variant.
Coding change: c.2360C>T on transcript NM_001111.5 (MANE Select); coding-DNA position 2360, C replaced by T.
Protein change: p.Ala787Val; replaces alanine 787 with valine.
Molecular consequence: missense variant.
Genome position (GRCh38, 1-based): chr1:154,590,320, G>A on the plus strand (C>T on the coding strand, the complement: ADAR is on the minus strand). VCF-style: chr1-154590320-G-A. GRCh37 (hg19) VCF-style: chr1-154562796-G-A.
Other names: c.1475C>T, p.Ala492Val (NM_001025107.3, NM_001193495.2, NM_001365046.1 and 3 more transcripts); c.2387C>T, p.Ala796Val (NM_001365045.1); c.2360C>T, p.Ala787Val (NM_015840.4); c.2303C>T, p.Ala768Val (NM_015841.4); c.2360C>T (NM_001111.4); short protein forms A492V, A768V, A787V, A796V.
Identifiers: ClinVar variation 992535 (VCV000992535.12), dbSNP rs367868255, ClinGen allele CA1131311.

ClinVar aggregate classification (germline): Uncertain significance. Review status: criteria provided, multiple submitters, no conflicts (2 of 4 stars). 4 submissions from 4 submitters: Uncertain significance (4). Last evaluated 2024-07-25.

Conditions:
Inborn genetic diseases. Identifiers: MedGen C0950123, MeSH D030342.
Symmetrical dyschromatosis of extremities (DSH). Also called: RETICULATE ACROPIGMENTATION OF DOHI; SYMMETRIC DYSCHROMATOSIS OF THE EXTREMITIES; DYSCHROMATOSIS SYMMETRICA HEREDITARIA 1; Dyschromatosis symmetrica hereditaria. Identifiers: Orphanet 41, MedGen C0406775, MONDO:0007483, OMIM 127400.
Aicardi-Goutieres syndrome 6 (AGS6). Identifiers: Orphanet 51, MedGen C3539013, MONDO:0014007, OMIM 615010.

Allele frequency attached by ClinVar (database versions not stated): gnomAD exomes 0.00001 and 0.00002; TOPMed 0.00001; gnomAD 0.00002; ExAC 0.00003; ESP Exome Variant Server 0.00008.
gnomAD v4.1: 16 of 1,614,026 alleles (0.00099%); highest among the groups gnomAD compares: Admixed American, 0.005%; no homozygotes.

Submissions (4):

Labcorp Genetics (formerly Invitae), Labcorp
Classification: Uncertain significance for Aicardi-Goutieres syndrome 6; Symmetrical dyschromatosis of extremities. Last evaluated: 2024-07-25. Review status: criteria provided, single submitter. Criteria: Invitae Variant Classification Sherloc (09022015). Collection method: clinical testing. Allele origin: germline.
Comment: This sequence change replaces alanine, which is neutral and non-polar, with valine, which is neutral and non-polar, at codon 787 of the ADAR protein (p.Ala787Val). This variant is present in population databases (rs367868255, gnomAD 0.006%). This variant has not been reported in the literature in individuals affected with ADAR-related conditions. ClinVar contains an entry for this variant (Variation ID: 992535). Advanced modeling of protein sequence and biophysical properties (such as structural, functional, and spatial information, amino acid conservation, physicochemical variation, residue mobility, and thermodynamic stability) has been performed at Invitae for this missense variant, however the output from this modeling did not meet the statistical confidence thresholds required to predict the impact of this variant on ADAR protein function. In summary, the available evidence is currently insufficient to determine the role of this variant in disease. Therefore, it has been classified as a Variant of Uncertain Significance.

Genome-Nilou Lab
Classification: Uncertain significance for Aicardi-Goutieres syndrome 6. Last evaluated: 2023-04-11. Review status: criteria provided, single submitter. Criteria: ACMG Guidelines, 2015. Collection method: clinical testing. Allele origin: germline. Affected: no.

Ambry Genetics
Classification: Uncertain significance for Inborn genetic diseases. Last evaluated: 2022-05-04. Review status: criteria provided, single submitter. Criteria: Ambry Variant Classification Scheme 2023. Collection method: clinical testing. Allele origin: germline.

Center for Genomics, Ann and Robert H. Lurie Children's Hospital of Chicago
Classification: Uncertain significance for Symmetrical dyschromatosis of extremities; Aicardi-Goutieres syndrome 6. Review status: criteria provided, single submitter. Criteria: ACMG Guidelines, 2015. Collection method: clinical testing. Allele origin: germline.
Comment: ADAR NM_001111.4 exon 7 p.Ala787Val (c.2360C>T): This variant has not been reported in the literature but is present in 0.005% (2/35440) of Latino alleles in the Genome Aggregation Database. Evolutionary conservation and computational predictive tools suggest that this variant may impact the protein. In summary, data on this variant is insufficient for disease classification. Therefore, the clinical significance of this variant is uncertain.